The following is an entry in ClinVar:

NM_003705.5(SLC25A12):c.1304_1305+2del

Gene: SLC25A12 (solute carrier family 25 member 12; minus strand). Cytogenetic location: 2q31.1.
Variant type: Deletion.
Coding change: c.1304_1305+2del on transcript NM_003705.5 (MANE Select); coding-DNA position 1304 through the canonical splice donor site of the intron after coding-DNA position 1305, 4 bases deleted (GTGT; older notation c.1304_1305+2delGTGT).
Molecular consequence: splice donor variant.
Genome position (GRCh38, 1-based): chr2:171,809,604-171,809,607, ACAC deleted on the plus strand (GTGT on the coding strand, the reverse complement: SLC25A12 is on the minus strand); deleting any 4 consecutive bases within chr2:171,809,604-171,809,608 gives the same sequence; the c. name uses the placement nearest the transcript's 3' end. VCF-style (leftmost placement, unchanged base first): chr2-171809603-TACAC-T. GRCh37 (hg19) VCF-style: chr2-172666113-TACAC-T.
Identifiers: ClinVar variation 1487115 (VCV001487115.6), dbSNP rs2105858730, ClinGen allele CA2573133637.
Genomic context (GRCh38, chr2:171,809,603, plus strand): 5'-TATCTGTGCAAAAAGGTCAACGGAATGTATTTGTCACAAGAAGCGCCTAACAGTAATACT[TACAC>T]AGCCTCCAGCAAGAACTTCTGCTGGAAGTGGAACAGAGCCATCTCTTCTGGTAAATTTGT-3'

ClinVar aggregate classification (germline): Likely pathogenic (1 of 4 stars; one submission).

Submission:

Labcorp Genetics (formerly Invitae), Labcorp
Classification: Likely pathogenic. Last evaluated: 2022-07-06. Review status: criteria provided, single submitter. Criteria: Invitae Variant Classification Sherloc (09022015). Collection method: clinical testing. Allele origin: germline.
Comment: In summary, the currently available evidence indicates that the variant is pathogenic, but additional data are needed to prove that conclusively. Therefore, this variant has been classified as Likely Pathogenic. Algorithms developed to predict the effect of sequence changes on RNA splicing suggest that this variant may disrupt the consensus splice site. ClinVar contains an entry for this variant (Variation ID: 1487115). This variant has not been reported in the literature in individuals affected with SLC25A12-related conditions. This variant is not present in population databases (gnomAD no frequency). This variant results in the deletion of part of exon 13 (c.1304_1305+2del) of the SLC25A12 gene. It is expected to disrupt RNA splicing. Variants that disrupt the donor or acceptor splice site typically lead to a loss of protein function (PMID: 16199547), and loss-of-function variants in SLC25A12 are known to be pathogenic (PMID: 20015484, 31403263).

Literature cited by the submitters: PubMed 16199547; PubMed 20015484; PubMed 31403263.